The following is an entry in ClinVar:

ClinVar aggregate classification (germline): Uncertain significance (1 of 4 stars; one submission).

Conditions:
Candidiasis, familial, 9 (CANDF9). Identifiers: Orphanet 1334, MedGen C4225324, MONDO:0014642, OMIM 616445.

Submission:

Labcorp Genetics (formerly Invitae), Labcorp
Classification: Uncertain significance for Candidiasis, familial, 9. Last evaluated: 2023-03-23. Review status: criteria provided, single submitter. Criteria: Invitae Variant Classification Sherloc (09022015). Collection method: clinical testing. Allele origin: germline.
Comment: An algorithm developed to predict the effect of missense changes on protein structure and function (PolyPhen-2) suggests that this variant is likely to be disruptive. In summary, the available evidence is currently insufficient to determine the role of this variant in disease. Therefore, it has been classified as a Variant of Uncertain Significance. This variant has not been reported in the literature in individuals affected with IL17RC-related conditions. This variant is not present in population databases (gnomAD no frequency). This sequence change replaces leucine, which is neutral and non-polar, with histidine, which is basic and polar, at codon 555 of the IL17RC protein (p.Leu555His).

NM_153460.4(IL17RC):c.1451T>A (p.Leu484His)

Gene: IL17RC (interleukin 17 receptor C; plus strand). Cytogenetic location: 3p25.3.
Variant type: single nucleotide variant.
Coding change: c.1451T>A on transcript NM_153460.4 (MANE Select); coding-DNA position 1451, T replaced by A.
Protein change: p.Leu484His; replaces leucine 484 with histidine.
Molecular consequence: missense variant. On other transcripts: non-coding transcript variant (1).
Genome position (GRCh38, 1-based): chr3:9,932,671, T>A. VCF-style: chr3-9932671-T-A. GRCh37 (hg19) VCF-style: chr3-9974355-T-A.
Other names: c.1451T>A, p.Leu484His (NM_001203263.2); c.1400T>A, p.Leu467His (NM_001203264.2); c.1355T>A, p.Leu452His (NM_001203265.2, NM_001410711.1); c.1412T>A, p.Leu471His (NM_001367278.1); c.1331T>A, p.Leu444His (NM_001367279.1); c.1406T>A, p.Leu469His (NM_001367280.1, NM_032732.6); c.1664T>A, p.Leu555His (NM_153461.4); short protein forms L444H, L471H, L452H, L467H, L469H, L484H, L555H.
Identifiers: ClinVar variation 2847249 (VCV002847249.3), dbSNP rs2470419717, ClinGen allele CA351702966.